The following is an entry in ClinVar:

NM_018112.3(TMEM38B):c.569C>G (p.Ser190Ter)

Gene: TMEM38B (transmembrane protein 38B; plus strand). Cytogenetic location: 9q31.2.
Variant type: single nucleotide variant.
Coding change: c.569C>G on transcript NM_018112.3 (MANE Select); coding-DNA position 569, C replaced by G.
Protein change: p.Ser190Ter; replaces serine 190 with a stop codon.
Molecular consequence: nonsense.
Genome position (GRCh38, 1-based): chr9:105,748,099, C>G. VCF-style: chr9-105748099-C-G. GRCh37 (hg19) VCF-style: chr9-108510380-C-G.
Other names: short protein forms S190*.
Identifiers: ClinVar variation 5010193 (VCV005010193.1).

ClinVar aggregate classification (germline): Pathogenic (1 of 4 stars; one submission).

Conditions:
Osteogenesis imperfecta type 14. Also called: OI, TYPE XIV; Osteogenesis imperfecta, type xiv. Identifiers: Orphanet 666, MedGen C3554428, MONDO:0014029, OMIM 615066.

Submission:

Clinical Genetics and Genomics, Karolinska University Hospital
Classification: Pathogenic for Osteogenesis imperfecta type 14. Last evaluated: 2026-08-25. Review status: criteria provided, single submitter. Criteria: ACMG Guidelines, 2015. Collection method: clinical testing. Allele origin: germline. Inheritance: Autosomal recessive inheritance. Affected: yes.
Comment: This variant was seen in compound heterozygous state with an intragenic deletion (c.543-3013_661-9785delins22) in TMEM38B.